The following is an entry in ClinVar:

ClinVar aggregate classification (germline): Uncertain significance. Review status: criteria provided, multiple submitters, no conflicts (2 of 4 stars). 2 submissions from 2 submitters: Uncertain significance (2). Last evaluated 2022-02-08.

Conditions:
Combined immunodeficiency due to LRBA deficiency. Also called: Common variable immunodeficiency 8, with autoimmunity. Identifiers: Orphanet 445018, MedGen C3553512, MONDO:0013863, OMIM 614700.

Submissions (2):

Labcorp Genetics (formerly Invitae), Labcorp
Classification: Uncertain significance for Combined immunodeficiency due to LRBA deficiency. Last evaluated: 2022-02-08. Review status: criteria provided, single submitter. Criteria: Invitae Variant Classification Sherloc (09022015). Collection method: clinical testing. Allele origin: germline.
Comment: Algorithms developed to predict the effect of missense changes on protein structure and function are either unavailable or do not agree on the potential impact of this missense change (SIFT: "Deleterious"; PolyPhen-2: "Benign"; Align-GVGD: "Class C0"). This sequence change replaces glycine, which is neutral and non-polar, with alanine, which is neutral and non-polar, at codon 1659 of the LRBA protein (p.Gly1659Ala). This variant is not present in population databases (gnomAD no frequency). This variant has not been reported in the literature in individuals affected with LRBA-related conditions. ClinVar contains an entry for this variant (Variation ID: 852803). In summary, the available evidence is currently insufficient to determine the role of this variant in disease. Therefore, it has been classified as a Variant of Uncertain Significance.

Blueprint Genetics
Classification: Uncertain significance. Last evaluated: 2020-09-18. Review status: criteria provided, single submitter. Criteria: ACMG Guidelines, 2015. Collection method: clinical testing. Allele origin: germline.

NM_001364905.1(LRBA):c.4976G>C (p.Gly1659Ala)

Gene: LRBA (LPS responsive beige-like anchor protein; minus strand). Cytogenetic location: 4q31.3.
Variant type: single nucleotide variant.
Coding change: c.4976G>C on transcript NM_001364905.1 (MANE Select); coding-DNA position 4976, G replaced by C.
Protein change: p.Gly1659Ala; replaces glycine 1659 with alanine.
Molecular consequence: missense variant.
Genome position (GRCh38, 1-based): chr4:150,828,375, C>G on the plus strand (G>C on the coding strand, the complement: LRBA is on the minus strand). VCF-style: chr4-150828375-C-G. GRCh37 (hg19) VCF-style: chr4-151749527-C-G.
Other names: c.4976G>C, p.Gly1659Ala (NM_001199282.3, NM_001367550.1, NM_006726.5); short protein forms G1659A.
Identifiers: ClinVar variation 852803 (VCV000852803.10), dbSNP rs142546017, ClinGen allele CA358443847.
Genomic context (GRCh38, chr4:150,828,375, plus strand): 5'-TTCACATTGACGTTTTTTGAAACTGAAACTGACGGTGTAGCCTTAGTGTCCAAGTCATTT[C>G]CTCTATCATTTTTGGTTTCCGGAGACTTATTGACTTCTAAAGAAAGAGTAGATAGCACCT-3'
Protein context (NP_001351834.1, residues 1649-1669): NKSPETKNDR[Gly1659Ala]NDLDTKATPS